The following is an entry in ClinVar:

NC_012920.1(MT-CYB):m.15002G>A

Gene: MT-CYB (mitochondrially encoded cytochrome b; plus strand).
Variant type: single nucleotide variant.
Genome position: chrM-15002-G-A.
Identifiers: ClinVar variation 693807 (VCV000693807.1), dbSNP rs370448948, ClinGen allele CA337100235.

ClinVar aggregate classification (germline): Benign (1 of 4 stars; one submission).

Conditions:
Leigh syndrome (NULS). Also called: Leigh's necrotizing encephalopathy; Leigh's disease; Leigh's syndrome; LEIGH SYNDROME, NUCLEAR; Leigh Syndrome (mtDNA deletion); Leigh Disease. Identifiers: Orphanet 506, MedGen C2931891, MONDO:0009723, OMIM 256000.

Submission:

Wong Mito Lab, Molecular and Human Genetics, Baylor College of Medicine
Classification: Benign for Leigh syndrome. Last evaluated: 2019-10-17. Review status: criteria provided, single submitter. Criteria: Modified ACMG Guidelines (Unpublished). Collection method: clinical testing. Allele origin: germline.
Comment: The NC_012920.1:m.15002G>A (YP_003024038.1:p.Gly86Ser) variant in MTCYB gene is interpretated to be a Benign variant based on the modified ACMG guidelines (unpublished). This variant meets the following evidence codes: BS1, BS4, BP4